The following is an entry in ClinVar:

ClinVar aggregate classification (germline): Uncertain significance (1 of 4 stars; one submission).

Conditions:
Mucopolysaccharidosis, MPS-IV-A (MPS4A). Also called: Mucopolysaccharidosis type IV A; Mucopolysaccharidosis Type IVA; Morquio syndrome A, mild; MORQUIO SYNDROME A; MPS IVA; mucopolysaccharidosis type 4A. Identifiers: Orphanet 309297, Orphanet 582, MedGen C0086651, MONDO:0009659, OMIM 253000.

Submission:

Laboratory of Diagnosis and Therapy of Lysosomal Disorders, University of Padova
Classification: Uncertain significance for Mucopolysaccharidosis, MPS-IV-A. Last evaluated: 2021-02-01. Review status: criteria provided, single submitter. Criteria: ACMG Guidelines, 2015. Collection method: research. Allele origin: germline. Affected: yes.
Comment: Absent from gnomAD v2.1.1 (PM2_moderate)

Literature cited by the submitters: PubMed 34387910.

NM_000512.5(GALNS):c.919C>A (p.Leu307Met)

Gene: GALNS (galactosamine (N-acetyl)-6-sulfatase; minus strand). Cytogenetic location: 16q24.3.
Variant type: single nucleotide variant.
Coding change: c.919C>A on transcript NM_000512.5 (MANE Select); coding-DNA position 919, C replaced by A.
Protein change: p.Leu307Met; replaces leucine 307 with methionine.
Molecular consequence: missense variant.
Genome position (GRCh38, 1-based): chr16:88,832,081, G>T on the plus strand (C>A on the coding strand, the complement: GALNS is on the minus strand). VCF-style: chr16-88832081-G-T. GRCh37 (hg19) VCF-style: chr16-88898489-G-T.
Other names: c.364C>A, p.Leu122Met (NM_001323543.2); c.937C>A, p.Leu313Met (NM_001323544.2); short protein forms L122M, L307M, L313M.
Identifiers: ClinVar variation 1048215 (VCV001048215.3), dbSNP rs2142999203, ClinGen allele CA397101438.